The following is an entry in ClinVar:

NM_022765.4(MICAL1):c.2893C>A (p.Gln965Lys)

Gene: MICAL1 (microtubule associated monooxygenase, calponin and LIM domain containing 1; minus strand). Cytogenetic location: 6q21.
Variant type: single nucleotide variant.
Coding change: c.2893C>A on transcript NM_022765.4 (MANE Select); coding-DNA position 2893, C replaced by A.
Protein change: p.Gln965Lys; replaces glutamine 965 with lysine.
Molecular consequence: missense variant.
Genome position (GRCh38, 1-based): chr6:109,444,984, G>T on the plus strand (C>A on the coding strand, the complement: MICAL1 is on the minus strand). VCF-style: chr6-109444984-G-T. GRCh37 (hg19) VCF-style: chr6-109766187-G-T.
Other names: c.2635C>A, p.Gln879Lys (NM_001159291.2); c.2950C>A, p.Gln984Lys (NM_001286613.2); short protein forms Q965K, Q879K, Q984K.
Identifiers: ClinVar variation 2034463 (VCV002034463.4), dbSNP rs1342006133, ClinGen allele CA365221319.

ClinVar aggregate classification (germline): Uncertain significance (1 of 4 stars; one submission).

gnomAD v4.1: 2 of 1,613,834 alleles (0.00012%); highest among the groups gnomAD compares: Non-Finnish European, 0.00017%; no homozygotes.

Submission:

Labcorp Genetics (formerly Invitae), Labcorp
Classification: Uncertain significance. Last evaluated: 2023-08-27. Review status: criteria provided, single submitter. Criteria: Invitae Variant Classification Sherloc (09022015). Collection method: clinical testing. Allele origin: germline.
Comment: In summary, the available evidence is currently insufficient to determine the role of this variant in disease. Therefore, it has been classified as a Variant of Uncertain Significance. Algorithms developed to predict the effect of missense changes on protein structure and function output the following: SIFT: "Not Available"; PolyPhen-2: "Benign"; Align-GVGD: "Not Available". The lysine amino acid residue is found in multiple mammalian species, which suggests that this missense change does not adversely affect protein function. ClinVar contains an entry for this variant (Variation ID: 2034463). This variant has not been reported in the literature in individuals affected with MICAL1-related conditions. The frequency data for this variant in the population databases is considered unreliable, as metrics indicate poor data quality at this position in the gnomAD database. This sequence change replaces glutamine, which is neutral and polar, with lysine, which is basic and polar, at codon 984 of the MICAL1 protein (p.Gln984Lys).